The following is an entry in ClinVar:

ClinVar aggregate classification (germline): Benign/Likely benign. Review status: criteria provided, multiple submitters, no conflicts (2 of 4 stars). 6 submissions from 6 submitters: Benign (5); Likely benign (1). Last evaluated 2026-01-22.

Conditions:
Developmental and epileptic encephalopathy, 69. Also called: EPILEPTIC ENCEPHALOPATHY, EARLY INFANTILE, 69. Identifiers: MedGen C4748988, MONDO:0032657, OMIM 618285.

Allele frequency attached by ClinVar (database versions not stated): 1000 Genomes Project 30x 0.00031; 1000 Genomes Project 0.00040.
gnomAD v4.1: 1,111 of 1,607,184 alleles (0.069%); highest among the groups gnomAD compares: East Asian, 0.48%; 4 homozygotes.

Submissions (6):

Labcorp Genetics (formerly Invitae), Labcorp
Classification: Benign. Last evaluated: 2026-01-22. Review status: criteria provided, single submitter. Criteria: Invitae Variant Classification Sherloc (09022015). Collection method: clinical testing. Allele origin: germline.

CeGaT Center for Human Genetics Tuebingen
Classification: Likely benign. Last evaluated: 2025-10-01. Review status: criteria provided, single submitter. Criteria: CeGaT Center For Human Genetics Tuebingen Variant Classification Criteria Version 2. Collection method: clinical testing. Allele origin: germline. Affected: yes. Observed: 7 variant alleles.
Comment: CACNA1E: BP4, BP7

Blueprint Genetics
Classification: Benign. Last evaluated: 2024-10-15. Review status: criteria provided, single submitter. Criteria: ACMG Guidelines, 2015. Collection method: clinical testing. Allele origin: germline.

Genome-Nilou Lab
Classification: Benign for Developmental and epileptic encephalopathy, 69. Last evaluated: 2023-04-11. Review status: criteria provided, single submitter. Criteria: ACMG Guidelines, 2015. Collection method: clinical testing. Allele origin: germline. Affected: no.

GeneDx
Classification: Benign. Last evaluated: 2021-05-05. Review status: criteria provided, single submitter. Criteria: GeneDx Variant Classification Process June 2021. Collection method: clinical testing. Allele origin: germline. Affected: yes.

Breakthrough Genomics
Classification: Benign. Review status: criteria provided, single submitter. Criteria: ACMG Guidelines, 2015. Collection method: not provided. Allele origin: germline. Inheritance: Autosomal dominant inheritance. Affected: yes.

NM_001205293.3(CACNA1E):c.1053C>T (p.Ser351=)

Gene: CACNA1E (calcium voltage-gated channel subunit alpha1 E; plus strand). Cytogenetic location: 1q25.3.
Variant type: single nucleotide variant.
Coding change: c.1053C>T on transcript NM_001205293.3 (MANE Select); coding-DNA position 1053, C replaced by T.
Protein change: p.Ser351=; no amino-acid change (serine 351 retained).
Molecular consequence: synonymous variant.
Genome position (GRCh38, 1-based): chr1:181,651,439, C>T. VCF-style: chr1-181651439-C-T. GRCh37 (hg19) VCF-style: chr1-181620575-C-T.
Other names: c.1053C>T, p.Ser351= (NM_000721.4, NM_001205294.2).
Identifiers: ClinVar variation 1251747 (VCV001251747.38), dbSNP rs201080304, ClinGen allele CA1275019.